The following is an entry in ClinVar:

NM_000059.4(BRCA2):c.4720A>C (p.Lys1574Gln)

Gene: BRCA2 (BRCA2 DNA repair associated; plus strand). Cytogenetic location: 13q13.1.
Variant type: single nucleotide variant.
Coding change: c.4720A>C on transcript NM_000059.4 (MANE Select); coding-DNA position 4720, A replaced by C.
Protein change: p.Lys1574Gln; replaces lysine 1574 with glutamine.
Molecular consequence: missense variant. On other transcripts: non-coding transcript variant (1), intron variant (2).
Genome position (GRCh38, 1-based): chr13:32,339,075, A>C. VCF-style: chr13-32339075-A-C. GRCh37 (hg19) VCF-style: chr13-32913212-A-C.
Other names: c.4720A>C, p.Lys1574Gln (NM_001406719.1, NM_001406720.1); c.1910-5483A>C (NM_001406721.1); c.425-5483A>C (NM_001406722.1); short protein forms K1574Q.
Identifiers: ClinVar variation 2451565 (VCV002451565.4), dbSNP rs2137509444, ClinGen allele CA387782971.

ClinVar aggregate classification (germline): Uncertain significance. Review status: criteria provided, multiple submitters, no conflicts (2 of 4 stars). 2 submissions from 2 submitters: Uncertain significance (2). Last evaluated 2025-01-01.

Conditions:
Hereditary breast ovarian cancer syndrome. Also called: Hereditary breast and/or ovarian cancer syndrome; BRCA1- and BRCA2-Associated Hereditary Breast and Ovarian Cancer; Hereditary breast and ovarian cancer syndrome; Hereditary breast and ovarian cancer; Hereditary breast and ovarian cancer syndrome (HBOC); Breast and ovarian cancer. Identifiers: Orphanet 145, MedGen C0677776, MeSH D061325, MONDO:0003582. Disease mechanism: loss of function.
Hereditary cancer-predisposing syndrome. Also called: Neoplastic Syndromes, Hereditary; Tumor predisposition; Hereditary neoplastic syndrome; Hereditary Cancer Syndrome. Identifiers: Orphanet 140162, MedGen C0027672, MeSH D009386, MONDO:0015356.

Submissions (2):

Labcorp Genetics (formerly Invitae), Labcorp
Classification: Uncertain significance for Hereditary breast ovarian cancer syndrome. Last evaluated: 2025-01-01. Review status: criteria provided, single submitter. Criteria: Invitae Variant Classification Sherloc (09022015). Collection method: clinical testing. Allele origin: germline.
Comment: This sequence change replaces lysine, which is basic and polar, with glutamine, which is neutral and polar, at codon 1574 of the BRCA2 protein (p.Lys1574Gln). This variant is not present in population databases (gnomAD no frequency). This variant has not been reported in the literature in individuals affected with BRCA2-related conditions. ClinVar contains an entry for this variant (Variation ID: 2451565). Invitae Evidence Modeling of protein sequence and biophysical properties (such as structural, functional, and spatial information, amino acid conservation, physicochemical variation, residue mobility, and thermodynamic stability) indicates that this missense variant is not expected to disrupt BRCA2 protein function with a negative predictive value of 95%. In summary, the available evidence is currently insufficient to determine the role of this variant in disease. Therefore, it has been classified as a Variant of Uncertain Significance.

Ambry Genetics
Classification: Uncertain significance for Hereditary cancer-predisposing syndrome. Last evaluated: 2023-02-23. Review status: criteria provided, single submitter. Criteria: Ambry Variant Classification Scheme 2023. Collection method: clinical testing. Allele origin: germline.
Comment: The p.K1574Q variant (also known as c.4720A>C), located in coding exon 10 of the BRCA2 gene, results from an A to C substitution at nucleotide position 4720. The lysine at codon 1574 is replaced by glutamine, an amino acid with similar properties. This amino acid position is conserved. In addition, this alteration is predicted to be tolerated by in silico analysis. Since supporting evidence is limited at this time, the clinical significance of this alteration remains unclear.